The following is an entry in ClinVar:

ClinVar aggregate classification (germline): Pathogenic (1 of 4 stars; one submission).

Conditions:
Neurofibromatosis, type 1 (NF1). Also called: VON RECKLINGHAUSEN DISEASE; Neurofibromatosis, type I; NEUROFIBROMATOSIS, TYPE I, SOMATIC; Peripheral type neurofibromatosis. Identifiers: Orphanet 636, MedGen C0027831, MONDO:0018975, OMIM 162200. Disease mechanism: loss of function.

Submission:

Labcorp Genetics (formerly Invitae), Labcorp
Classification: Pathogenic for Neurofibromatosis, type 1. Last evaluated: 2023-10-22. Review status: criteria provided, single submitter. Criteria: Invitae Variant Classification Sherloc (09022015). Collection method: clinical testing. Allele origin: germline.
Comment: This sequence change creates a premature translational stop signal (p.Ser942Thrfs*6) in the NF1 gene. It is expected to result in an absent or disrupted protein product. Loss-of-function variants in NF1 are known to be pathogenic (PMID: 10712197, 23913538). This variant is not present in population databases (gnomAD no frequency). This variant has not been reported in the literature in individuals affected with NF1-related conditions. For these reasons, this variant has been classified as Pathogenic.

Literature cited by the submitters: PubMed 10712197; PubMed 23913538.

NM_001042492.3(NF1):c.2825_2847del (p.Ser942fs)

Gene: NF1 (neurofibromin 1; plus strand). Cytogenetic location: 17q11.2.
Variant type: Deletion.
Coding change: c.2825_2847del on transcript NM_001042492.3 (MANE Select); coding-DNA positions 2825 to 2847, 23 bases deleted (GCAAGTTTTTTGACTCCCAAGGA).
Protein change: p.Ser942fs; shifts the reading frame from serine 942.
Molecular consequence: frameshift variant.
Genome position (GRCh38, 1-based): chr17:31,229,440-31,229,462, GCAAGTTTTTTGACTCCCAAGGA deleted; deleting any 23 consecutive bases within chr17:31,229,439-31,229,462 gives the same sequence; the c. name uses the placement nearest the transcript's 3' end. VCF-style (leftmost placement, unchanged base first): chr17-31229438-CAGCAAGTTTTTTGACTCCCAAGG-C. GRCh37 (hg19) VCF-style: chr17-29556456-CAGCAAGTTTTTTGACTCCCAAGG-C.
Other names: c.2825_2847del23, p.Ser942Thrfs (NM_000267.4); short protein forms S942fs.
Identifiers: ClinVar variation 2770877 (VCV002770877.3), dbSNP rs2508189341, ClinGen allele CA2697559735.